The following is an entry in ClinVar:

ClinVar aggregate classification (germline): Uncertain significance. Review status: criteria provided, single submitter (1 of 4 stars). 2 submissions from 2 submitters: Uncertain significance (1). 1 of the submissions does not count toward it. Last evaluated 2022-01-18.

Conditions:
3MC syndrome 2. Also called: PTOSIS OF EYELIDS WITH DIASTASIS RECTI AND HIP DYSPLASIA; OCULO-SKELETAL-ABDOMINAL SYNDROME; OSA SYNDROME. Identifiers: Orphanet 293843, MedGen C0796279, MONDO:0009927, OMIM 265050.

Submissions (2):

Labcorp Genetics (formerly Invitae), Labcorp
Classification: Uncertain significance. Last evaluated: 2022-01-18. Review status: criteria provided, single submitter. Criteria: Invitae Variant Classification Sherloc (09022015). Collection method: clinical testing. Allele origin: germline.
Comment: Experimental studies and prediction algorithms are not available or were not evaluated, and the functional significance of this variant is currently unknown. This premature translational stop signal has been observed in individual(s) with 3MC syndrome (PMID: 28301481). This variant is not present in population databases (gnomAD no frequency). This sequence change creates a premature translational stop signal (p.Gly104Valfs*29) in the COLEC11 gene. While this is not anticipated to result in nonsense mediated decay, it is expected to disrupt the last 168 amino acid(s) of the COLEC11 protein. This variant disrupts a region of the COLEC11 protein in which other variant(s) (p.Gly204Ser) have been observed in individuals with COLEC11-related conditions (PMID: 21258343). This suggests that this is a clinically significant region of the protein, and that variants that disrupt it are likely to be disease-causing. In summary, the available evidence is currently insufficient to determine the role of this variant in disease. Therefore, it has been classified as a Variant of Uncertain Significance.

OMIM
Classification: Pathogenic for 3MC SYNDROME 2. Last evaluated: 2011-03-01. Review status: no assertion criteria provided. Collection method: literature only. Allele origin: germline. Not counted in ClinVar's aggregate classification.

Literature cited by the submitters: PubMed 28301481 (cited by Labcorp Genetics (formerly Invitae), Labcorp); PubMed 21258343 (cited by Labcorp Genetics (formerly Invitae), Labcorp and OMIM); PubMed 8933348 (cited by OMIM).

NM_024027.5(COLEC11):c.309del (p.Gly104fs)

Gene: COLEC11 (collectin subfamily member 11; plus strand). Cytogenetic location: 2p25.3.
Variant type: Deletion.
Coding change: c.309del on transcript NM_024027.5 (MANE Select); coding-DNA position 309, one base deleted (T; older notation c.309delT).
Protein change: p.Gly104fs; shifts the reading frame from glycine 104.
Molecular consequence: frameshift variant. On other transcripts: non-coding transcript variant (1).
Genome position (GRCh38, 1-based): chr2:3,640,312, T deleted. VCF-style (leftmost placement, unchanged base first): chr2-3640311-CT-C. GRCh37 (hg19) VCF-style: chr2-3687901-CT-C.
Other names: c.231del, p.Gly78fs (NM_001255986.1); c.159del, p.Gly54fs (NM_001255987.1, NM_001255988.1); c.87del, p.Gly30fs (NM_001255989.1); c.300del, p.Gly101fs (NM_199235.3); c.237del, p.Gly80fs (NM_001255983.2, NM_001255982.2); c.165del, p.Gly56fs (NM_001255984.2); c.351del, p.Gly118fs (NM_001255985.1); short protein forms G101fs, G104fs, G118fs, G30fs, G54fs, G56fs, G78fs, G80fs.
Identifiers: ClinVar variation 30972 (VCV000030972.6), dbSNP rs2147963510, ClinGen allele CA2576666882.